The following is an entry in ClinVar:

NM_001009944.3(PKD1):c.4709C>T (p.Thr1570Met)

Gene: PKD1 (polycystin 1, transient receptor potential channel interacting; minus strand). Cytogenetic location: 16p13.3.
Variant type: single nucleotide variant.
Coding change: c.4709C>T on transcript NM_001009944.3 (MANE Select); coding-DNA position 4709, C replaced by T.
Protein change: p.Thr1570Met; replaces threonine 1570 with methionine.
Molecular consequence: missense variant.
Genome position (GRCh38, 1-based): chr16:2,110,458, G>A on the plus strand (C>T on the coding strand, the complement: PKD1 is on the minus strand). VCF-style: chr16-2110458-G-A. GRCh37 (hg19) VCF-style: chr16-2160459-G-A.
Other names: c.4709C>T, p.Thr1570Met (NM_000296.4); short protein forms T1570M.
Identifiers: ClinVar variation 1064656 (VCV001064656.5), dbSNP rs368161263, ClinGen allele CA7832278.

ClinVar aggregate classification (germline): Conflicting classifications of pathogenicity. Review status: criteria provided, conflicting classifications (1 of 4 stars). 4 submissions from 4 submitters: Pathogenic (1); Uncertain significance (3). Last evaluated 2026-07-08.

Conditions:
Polycystic kidney disease, adult type (PKD1). Also called: POLYCYSTIC KIDNEY DISEASE 1 WITH OR WITHOUT POLYCYSTIC LIVER DISEASE; Polycystic Kidney, Autosomal Dominant; Polycystic Kidney Disease 1, Autosomal Dominant; Polycystic kidney disease 1; Polycystic kidney disease 1, severe; POLYCYSTIC KIDNEY DISEASE, ADULT, TYPE I. Identifiers: MedGen C3149841, MONDO:0008263, OMIM 173900.

Allele frequency attached by ClinVar (database versions not stated): gnomAD exomes 0.00001; ExAC 0.00002; gnomAD 0.00003 and 0.00004; TOPMed 0.00003; ESP Exome Variant Server 0.00008.
gnomAD v4.1: 15 of 1,612,452 alleles (0.00093%); highest among the groups gnomAD compares: African/African-American, 0.0027%; no homozygotes.

Submissions (4):

Women's Health and Genetics/Laboratory Corporation of America, LabCorp
Classification: Uncertain significance. Last evaluated: 2026-07-08. Review status: criteria provided, single submitter. Criteria: LabCorp Variant Classification Summary - May 2015. Collection method: clinical testing. Allele origin: germline.
Comment: Variant summary: PKD1 c.4709C>T (p.Thr1570Met) results in a non-conservative amino acid change in the encoded protein sequence. Algorithms developed to predict the effect of missense changes on protein structure and function are either unavailable or do not agree on the potential impact of this missense change. The variant allele was found at a frequency of 1.2e-05 in 249126 control chromosomes (gnomAD). The available data on variant occurrences in the general population are insufficient to allow any conclusion about variant significance. c.4709C>T has been reported in the literature in two siblings affected with in-utero onset of polycystic kidney disease who were homozygous with the variant as well as another variant c.3133G>A (p.Val1045Met), while the parents carrying both variants in cis were unaffected (Vujic_2010). In another publication, the variant was found in trans with a different missense variant, suggesting a possible hypomorphic effect (de Fallois_2021). These data do not allow any conclusion about variant significance. To our knowledge, no experimental evidence demonstrating an impact on protein function has been reported. The following publications have been ascertained in the context of this evaluation (PMID: 20558538, 34249099). ClinVar contains an entry for this variant (Variation ID: 1064656). Based on the evidence outlined above, the variant was classified as uncertain significance.

Fulgent Genetics
Classification: Uncertain significance for Polycystic kidney disease, adult type. Last evaluated: 2024-05-21. Review status: criteria provided, single submitter. Criteria: ACMG Guidelines, 2015. Collection method: clinical testing. Allele origin: germline.

Institute of Human Genetics, University of Leipzig Medical Center
Classification: Pathogenic for Polycystic kidney disease, adult type. Last evaluated: 2021-04-19. Review status: criteria provided, single submitter. Criteria: ACMG Guidelines, 2015. Collection method: clinical testing. Allele origin: germline. Affected: yes.

GeneDx
Classification: Uncertain significance. Last evaluated: 2019-10-28. Review status: criteria provided, single submitter. Criteria: GeneDx Variant Classification Process June 2021. Collection method: clinical testing. Allele origin: germline. Affected: yes.
Comment: Not observed at a significant frequency in large population cohorts (Lek et al., 2016); In silico analysis, which includes protein predictors and evolutionary conservation, supports that this variant does not alter protein structure/function; Identified with a second PKD1 variant, both in the homozygous state, in an individual with a perinatal diagnosis of polycystic kidney disease; the heterozygous parents were unaffected (Vujic et al., 2010). Authors suggest that this is a hypomorphic allele.; This variant is associated with the following publications: (PMID: 20558538, 30647506, 25263802)

Literature cited by the submitters: PubMed 20558538 (cited by Women's Health and Genetics/Laboratory Corporation of America, LabCorp); PubMed 34249099 (cited by Women's Health and Genetics/Laboratory Corporation of America, LabCorp).